The following is an entry in ClinVar:

ClinVar aggregate classification (germline): Uncertain significance (1 of 4 stars; one submission).

Conditions:
Cardiovascular phenotype. Identifiers: MedGen CN230736.

gnomAD v4.1: 1 of 1,613,124 alleles (0.000062%); highest among the groups gnomAD compares: Non-Finnish European, 0.000085%; no homozygotes.

Submission:

Ambry Genetics
Classification: Uncertain significance for Cardiovascular phenotype. Last evaluated: 2025-11-15. Review status: criteria provided, single submitter. Criteria: Ambry Variant Classification Scheme 2023. Collection method: clinical testing. Allele origin: germline.
Comment: The p.G634V variant (also known as c.1901G>T), located in coding exon 2 of the TNXB gene, results from a G to T substitution at nucleotide position 1901. The glycine at codon 634 is replaced by valine, an amino acid with dissimilar properties. This amino acid position is conserved. In addition, the in silico prediction for this alteration is inconclusive. Based on the available evidence, the clinical significance of this variant remains unclear.

NM_001365276.2(TNXB):c.1901G>T (p.Gly634Val)

Gene: TNXB (tenascin XB; minus strand). Cytogenetic location: 6p21.33.
Variant type: single nucleotide variant.
Coding change: c.1901G>T on transcript NM_001365276.2 (MANE Select); coding-DNA position 1901, G replaced by T.
Protein change: p.Gly634Val; replaces glycine 634 with valine.
Molecular consequence: missense variant.
Genome position (GRCh38, 1-based): chr6:32,095,952, C>A on the plus strand (G>T on the coding strand, the complement: TNXB is on the minus strand). VCF-style: chr6-32095952-C-A. GRCh37 (hg19) VCF-style: chr6-32063729-C-A.
Other names: c.1901G>T, p.Gly634Val (NM_001428335.1, NM_019105.8); short protein forms G634V.
Identifiers: ClinVar variation 4615175 (VCV004615175.1).